The following is an entry in ClinVar:

NM_000785.4(CYP27B1):c.568T>C (p.Phe190Leu)

Gene: CYP27B1 (cytochrome P450 family 27 subfamily B member 1; minus strand). Cytogenetic location: 12q14.1.
Variant type: single nucleotide variant.
Coding change: c.568T>C on transcript NM_000785.4 (MANE Select); coding-DNA position 568, T replaced by C.
Protein change: p.Phe190Leu; replaces phenylalanine 190 with leucine.
Molecular consequence: missense variant.
Genome position (GRCh38, 1-based): chr12:57,765,318, A>G on the plus strand (T>C on the coding strand, the complement: CYP27B1 is on the minus strand). VCF-style: chr12-57765318-A-G. GRCh37 (hg19) VCF-style: chr12-58159101-A-G.
Other names: short protein forms F190L.
Identifiers: ClinVar variation 2095904 (VCV002095904.2), dbSNP rs375234468, ClinGen allele CA237815015.

ClinVar aggregate classification (germline): Uncertain significance (1 of 4 stars; one submission).

Allele frequency attached by ClinVar (database versions not stated): gnomAD exomes below 0.00001; TOPMed 0.00001; ESP Exome Variant Server 0.00008.
gnomAD v4.1: 2 of 1,612,978 alleles (0.00012%); highest among the groups gnomAD compares: Non-Finnish European, 0.00017%; no homozygotes.

Submission:

Labcorp Genetics (formerly Invitae), Labcorp
Classification: Uncertain significance. Last evaluated: 2022-10-24. Review status: criteria provided, single submitter. Criteria: Invitae Variant Classification Sherloc (09022015). Collection method: clinical testing. Allele origin: germline.
Comment: In summary, the available evidence is currently insufficient to determine the role of this variant in disease. Therefore, it has been classified as a Variant of Uncertain Significance. Advanced modeling of protein sequence and biophysical properties (such as structural, functional, and spatial information, amino acid conservation, physicochemical variation, residue mobility, and thermodynamic stability) performed at Invitae indicates that this missense variant is not expected to disrupt CYP27B1 protein function. This variant has not been reported in the literature in individuals affected with CYP27B1-related conditions. This variant is not present in population databases (gnomAD no frequency). This sequence change replaces phenylalanine, which is neutral and non-polar, with leucine, which is neutral and non-polar, at codon 190 of the CYP27B1 protein (p.Phe190Leu).